The following is an entry in ClinVar:

NM_000263.4(NAGLU):c.2027G>A (p.Arg676Gln)

Gene: NAGLU (N-acetyl-alpha-glucosaminidase; plus strand). Cytogenetic location: 17q21.2.
Variant type: single nucleotide variant.
Coding change: c.2027G>A on transcript NM_000263.4 (MANE Select); coding-DNA position 2027, G replaced by A.
Protein change: p.Arg676Gln; replaces arginine 676 with glutamine.
Molecular consequence: missense variant.
Genome position (GRCh38, 1-based): chr17:42,544,033, G>A. VCF-style: chr17-42544033-G-A. GRCh37 (hg19) VCF-style: chr17-40696051-G-A.
Other names: short protein forms R676Q.
Identifiers: ClinVar variation 3769116 (VCV003769116.2).

ClinVar aggregate classification (germline): Uncertain significance (1 of 4 stars; one submission).

gnomAD v4.1: 13 of 1,612,120 alleles (0.00081%); highest among the groups gnomAD compares: Admixed American, 0.0034%; no homozygotes.

Submission:

Women's Health and Genetics/Laboratory Corporation of America, LabCorp
Classification: Uncertain significance. Last evaluated: 2025-01-14. Review status: criteria provided, single submitter. Criteria: LabCorp Variant Classification Summary - May 2015. Collection method: clinical testing. Allele origin: germline.
Comment: Variant summary: NAGLU c.2027G>A (p.Arg676Gln) results in a conservative amino acid change in the encoded protein sequence. Four of five in-silico tools predict a benign effect of the variant on protein function. The variant was absent in 246402 control chromosomes. The available data on variant occurrences in the general population are insufficient to allow any conclusion about variant significance. To our knowledge, no occurrence of c.2027G>A in individuals affected with Mucopolysaccharidosis Type IIIB (Sanfilippo Syndrome B) and no experimental evidence demonstrating its impact on protein function have been reported. No submitters have cited clinical-significance assessments for this variant to ClinVar. Based on the evidence outlined above, the variant was classified as uncertain significance.